The following is an entry in ClinVar:

NM_001868.4(CPA1):c.1025C>T (p.Ser342Phe)

Gene: CPA1 (carboxypeptidase A1; plus strand). Cytogenetic location: 7q32.2.
Variant type: single nucleotide variant.
Coding change: c.1025C>T on transcript NM_001868.4 (MANE Select); coding-DNA position 1025, C replaced by T.
Protein change: p.Ser342Phe; replaces serine 342 with phenylalanine.
Molecular consequence: missense variant.
Genome position (GRCh38, 1-based): chr7:130,385,876, C>T. VCF-style: chr7-130385876-C-T. GRCh37 (hg19) VCF-style: chr7-130025717-C-T.
Other names: short protein forms S342F.
Identifiers: ClinVar variation 1769304 (VCV001769304.2), dbSNP rs2536013206, ClinGen allele CA369284046.

ClinVar aggregate classification (germline): Uncertain significance (1 of 4 stars; one submission).

Conditions:
Hereditary pancreatitis (PCTT). Also called: PRSS1-Related Hereditary Pancreatitis; Hereditary chronic pancreatitis. Identifiers: Orphanet 676, MedGen C0238339, MONDO:0008185, OMIM 167800.

Submission:

Ambry Genetics
Classification: Uncertain significance for Hereditary pancreatitis. Last evaluated: 2021-07-20. Review status: criteria provided, single submitter. Criteria: Ambry Variant Classification Scheme 2023. Collection method: clinical testing. Allele origin: germline.
Comment: The p.S342F variant (also known as c.1025C>T), located in coding exon 9 of the CPA1 gene, results from a C to T substitution at nucleotide position 1025. The serine at codon 342 is replaced by phenylalanine, an amino acid with highly dissimilar properties. This amino acid position is conserved. In addition, the in silico prediction for this alteration is inconclusive. Since supporting evidence is limited at this time, the clinical significance of this alteration remains unclear.